The following is an entry in ClinVar:

NM_017807.4(OSGEP):c.407C>T (p.Thr136Met)

Genes: OSGEP (O-sialoglycoprotein endopeptidase; minus strand), LOC107372315 (OSGEP/APEX1 bi-directional promoter region; plus strand). Cytogenetic location: 14q11.2.
Variant type: single nucleotide variant.
Coding change: c.407C>T on transcript NM_017807.4 (MANE Select); coding-DNA position 407, C replaced by T.
Protein change: p.Thr136Met; replaces threonine 136 with methionine.
Molecular consequence: missense variant.
Genome position (GRCh38, 1-based): chr14:20,451,978, G>A on the plus strand (C>T on the coding strand, the complement: OSGEP is on the minus strand). VCF-style: chr14-20451978-G-A. GRCh37 (hg19) VCF-style: chr14-20920137-G-A.
Other names: short protein forms T136M.
Identifiers: ClinVar variation 2904119 (VCV002904119.3), dbSNP rs777404578, ClinGen allele CA7081259.

ClinVar aggregate classification (germline): Uncertain significance (1 of 4 stars; one submission).

Allele frequency attached by ClinVar (database versions not stated): ExAC 0.00001; TOPMed 0.00001.

Submission:

Labcorp Genetics (formerly Invitae), Labcorp
Classification: Uncertain significance. Last evaluated: 2023-04-11. Review status: criteria provided, single submitter. Criteria: Invitae Variant Classification Sherloc (09022015). Collection method: clinical testing. Allele origin: germline.
Comment: In summary, the available evidence is currently insufficient to determine the role of this variant in disease. Therefore, it has been classified as a Variant of Uncertain Significance. Advanced modeling of protein sequence and biophysical properties (such as structural, functional, and spatial information, amino acid conservation, physicochemical variation, residue mobility, and thermodynamic stability) performed at Invitae indicates that this missense variant is expected to disrupt OSGEP protein function. This variant has not been reported in the literature in individuals affected with OSGEP-related conditions. This variant is present in population databases (rs777404578, gnomAD 0.0009%). This sequence change replaces threonine, which is neutral and polar, with methionine, which is neutral and non-polar, at codon 136 of the OSGEP protein (p.Thr136Met).